The following is an entry in ClinVar:

ClinVar aggregate classification (germline): Pathogenic (1 of 4 stars; one submission).

Conditions:
Hemolytic uremic syndrome, atypical, susceptibility to, 1. Also called: AHUS, SUSCEPTIBILITY TO, 1. Identifiers: Orphanet 2134, Orphanet 90038, MedGen C2749604, MONDO:0009335, OMIM 235400. Disease mechanism: Other.

Submission:

MVZ Medizinische Genetik Mainz
Classification: Pathogenic for Hemolytic uremic syndrome, atypical, susceptibility to, 1. Last evaluated: 2022-04-12. Review status: criteria provided, single submitter. Criteria: UK Practice Guidelines For Variant Classification V4 01 2020. Collection method: clinical testing. Allele origin: germline. Inheritance: Autosomal dominant inheritance. Affected: yes. Observed: 1 variant allele.
Comment: ACMG Criteria: PVS1, PM2_SUP, PP4

NM_000186.4(CFH):c.1609del (p.His537fs)

Gene: CFH (complement factor H; plus strand). Cytogenetic location: 1q31.3.
Variant type: Deletion.
Coding change: c.1609del on transcript NM_000186.4 (MANE Select); coding-DNA position 1609, one base deleted (C; older notation c.1609delC).
Protein change: p.His537fs; shifts the reading frame from histidine 537.
Molecular consequence: frameshift variant.
Genome position (GRCh38, 1-based): chr1:196,715,682, C deleted; the last of 2 consecutive C bases (chr1:196,715,681-196,715,682); deleting either gives the same sequence. VCF-style (leftmost placement, unchanged base first): chr1-196715680-GC-G. GRCh37 (hg19) VCF-style: chr1-196684810-GC-G.
Other names: short protein forms H537fs.
Identifiers: ClinVar variation 3236385 (VCV003236385.1), dbSNP rs2529474661, ClinGen allele CA2825000877.